The following is an entry in ClinVar:

ClinVar aggregate classification (germline): Uncertain significance (1 of 4 stars; one submission).

Conditions:
Anauxetic dysplasia. Identifiers: Orphanet 93347, MedGen C1846796, MONDO:0011773.

Allele frequency attached by ClinVar (database versions not stated): ExAC 0.00012.
gnomAD v4.1: 13 of 693,112 alleles (0.0019%); highest among the groups gnomAD compares: South Asian, 0.01%; no homozygotes.

Submission:

Labcorp Genetics (formerly Invitae), Labcorp
Classification: Uncertain significance for Anauxetic dysplasia. Last evaluated: 2022-07-19. Review status: criteria provided, single submitter. Criteria: Invitae Variant Classification Sherloc (09022015). Collection method: clinical testing. Allele origin: germline.
Comment: This variant occurs in the RMRP gene, which encodes an RNA molecule that does not result in a protein product. This variant is present in population databases (rs769854200, gnomAD 0.01%). This variant has not been reported in the literature in individuals affected with RMRP-related conditions. Experimental studies and prediction algorithms are not available or were not evaluated, and the functional significance of this variant is currently unknown. In summary, the available evidence is currently insufficient to determine the role of this variant in disease. Therefore, it has been classified as a Variant of Uncertain Significance.

NC_000009.12:g.35657768G>A

Gene: RMRP (RNA component of mitochondrial RNA processing endoribonuclease; minus strand). Cytogenetic location: 9p13.3.
Variant type: single nucleotide variant.
Genome position: GRCh38 VCF-style: chr9-35657768-G-A. GRCh37 (hg19) VCF-style: chr9-35657765-G-A.
Identifiers: ClinVar variation 2155963 (VCV002155963.1), dbSNP rs769854200, ClinGen allele CA5045817.